The following is an entry in ClinVar:

ClinVar aggregate classification (germline): Uncertain significance (1 of 4 stars; one submission).

Submission:

Labcorp Genetics (formerly Invitae), Labcorp
Classification: Uncertain significance. Last evaluated: 2021-08-12. Review status: criteria provided, single submitter. Criteria: Invitae Variant Classification Sherloc (09022015). Collection method: clinical testing. Allele origin: germline.
Comment: This sequence change replaces leucine with histidine at codon 34 of the GNAT1 protein (p.Leu34His). The leucine residue is highly conserved and there is a moderate physicochemical difference between leucine and histidine. This variant is not present in population databases (ExAC no frequency). This variant has not been reported in the literature in individuals affected with GNAT1-related conditions. Algorithms developed to predict the effect of missense changes on protein structure and function (SIFT, PolyPhen-2, Align-GVGD) all suggest that this variant is likely to be disruptive. In summary, the available evidence is currently insufficient to determine the role of this variant in disease. Therefore, it has been classified as a Variant of Uncertain Significance.

NM_144499.3(GNAT1):c.101T>A (p.Leu34His)

Gene: GNAT1 (G protein subunit alpha transducin 1; plus strand). Cytogenetic location: 3p21.31.
Variant type: single nucleotide variant.
Coding change: c.101T>A on transcript NM_144499.3 (MANE Select); coding-DNA position 101, T replaced by A.
Protein change: p.Leu34His; replaces leucine 34 with histidine.
Molecular consequence: missense variant.
Genome position (GRCh38, 1-based): chr3:50,191,826, T>A. VCF-style: chr3-50191826-T-A. GRCh37 (hg19) VCF-style: chr3-50229259-T-A.
Other names: c.101T>A, p.Leu34His (NM_000172.4); short protein forms L34H.
Identifiers: ClinVar variation 1482905 (VCV001482905.6), dbSNP rs2109137515, ClinGen allele CA352909093.
Genomic context (GRCh38, chr3:50,191,826, plus strand): 5'-AGCTGGAAAAGAAGCTGAAAGAGGACGCTGAGAAGGATGCTCGAACCGTGAAGCTGCTGC[T>A]TCTGGGTAGGGGTGTGGGCCCAGGTGGGGCCACTGCCACCAGGTCATTGGTCTGGAGGCA-3'
Protein context (NP_653082.1, residues 24-44): EKDARTVKLL[Leu34His]LGAGESGKST